The following is an entry in ClinVar:

NM_001171.6(ABCC6):c.232G>A (p.Ala78Thr)

Gene: ABCC6 (ATP binding cassette subfamily C member 6; minus strand). Cytogenetic location: 16p13.11.
Variant type: single nucleotide variant.
Coding change: c.232G>A on transcript NM_001171.6 (MANE Select); coding-DNA position 232, G replaced by A.
Protein change: p.Ala78Thr; replaces alanine 78 with threonine.
Molecular consequence: missense variant. On other transcripts: 5 prime UTR variant (1), non-coding transcript variant (1).
Genome position (GRCh38, 1-based): chr16:16,219,935, C>T on the plus strand (G>A on the coding strand, the complement: ABCC6 is on the minus strand). VCF-style: chr16-16219935-C-T. GRCh37 (hg19) VCF-style: chr16-16313792-C-T.
Other names: c.-111G>A (NM_001351800.1); short protein forms A78T.
Identifiers: ClinVar variation 433441 (VCV000433441.28), dbSNP rs2856597, ClinGen allele CA278671597.

ClinVar aggregate classification (germline): Conflicting classifications of pathogenicity. Review status: criteria provided, conflicting classifications (1 of 4 stars). 5 submissions from 5 submitters: Uncertain significance (2); Likely benign (1). 2 of the submissions do not count toward it. Last evaluated 2024-11-19.

Conditions:
ABCC6-related disorder. Also called: ABCC6-related condition.
Autosomal recessive inherited pseudoxanthoma elasticum (PXE). Identifiers: Orphanet 758, MedGen CN032334, MONDO:0009925, OMIM 264800.
Pseudoxanthoma elasticum, forme fruste. Also called: Pseudoxanthoma Elasticum, Incomplete; PSEUDOXANTHOMA ELASTICUM, HETEROZYGOUS. Identifiers: Orphanet 758, MedGen C1867450, MONDO:0008333, OMIM 177850.
Arterial calcification, generalized, of infancy, 2. Identifiers: Orphanet 51608, MedGen C3276161, MONDO:0013768, OMIM 614473.

Allele frequency attached by ClinVar (database versions not stated): 1000 Genomes Project 0.00080; 1000 Genomes Project 30x 0.00219; gnomAD 0.00037.

Submissions (5):

Blueprint Genetics
Classification: Likely benign. Last evaluated: 2024-11-19. Review status: criteria provided, single submitter. Criteria: ACMG Guidelines, 2015. Collection method: clinical testing. Allele origin: germline.

CeGaT Center for Human Genetics Tuebingen
Classification: Uncertain significance. Last evaluated: 2023-11-01. Review status: criteria provided, single submitter. Criteria: CeGaT Center For Human Genetics Tuebingen Variant Classification Criteria Version 2. Collection method: clinical testing. Allele origin: germline. Affected: yes. Observed: 1 variant allele.
Comment: ABCC6: PP2, BP4

Fulgent Genetics
Classification: Uncertain significance for Pseudoxanthoma elasticum, forme fruste; Autosomal recessive inherited pseudoxanthoma elasticum; Arterial calcification, generalized, of infancy, 2. Last evaluated: 2021-09-23. Review status: criteria provided, single submitter. Criteria: ACMG Guidelines, 2015. Collection method: clinical testing. Allele origin: unknown.

PreventionGenetics, part of Exact Sciences
Classification: Uncertain significance for ABCC6-related condition. Last evaluated: 2024-09-21. Review status: no assertion criteria provided. Collection method: clinical testing. Allele origin: germline. Not counted in ClinVar's aggregate classification.
Comment: The ABCC6 c.232G>A variant is predicted to result in the amino acid substitution p.Ala78Thr. This variant was previously reported in a large cohort of individuals with pseudoxanthoma elasticum, although no detailed clinical or genetic information was provided (Jin et al. 2015. PubMed ID: 25615550). This variant was also reported in an individual with Tetralogy of Fallot (Pan et al. 2022. PubMed ID: 36071769). This variant is reported in 0.53% of alleles in individuals of East Asian descent in gnomAD. This variant falls within a highly paralogous region. Allele frequency data should be interpreted with caution. At this time, the clinical significance of this variant is uncertain due to the absence of conclusive functional and genetic evidence.

PXE International
Classification: Uncertain significance for Autosomal recessive inherited pseudoxanthoma elasticum. Last evaluated: 2021-02-04. Review status: no assertion criteria provided. Collection method: research. Allele origin: germline. Inheritance: Autosomal recessive inheritance. Affected: yes. Observed: 1 variant allele. Not counted in ClinVar's aggregate classification.

Literature cited by the submitters: PubMed 16086317 (cited by PXE International); PubMed 11536079 (cited by PXE International); PubMed 19339160 (cited by PXE International); PubMed 32873932 (cited by PXE International).